The following is an entry in ClinVar:

ClinVar aggregate classification (germline): Uncertain significance (1 of 4 stars; one submission).

Submission:

CeGaT Center for Human Genetics Tuebingen
Classification: Uncertain significance. Last evaluated: 2022-05-01. Review status: criteria provided, single submitter. Criteria: CeGaT Center For Human Genetics Tuebingen Variant Classification Criteria Version 2. Collection method: clinical testing. Allele origin: germline. Affected: yes. Observed: 1 variant allele.
Comment: HYDIN: PM2, PM6

NM_001270974.2(HYDIN):c.980T>C (p.Ile327Thr)

Gene: HYDIN (HYDIN axonemal central pair apparatus protein; minus strand). Cytogenetic location: 16q22.2.
Variant type: single nucleotide variant.
Coding change: c.980T>C on transcript NM_001270974.2 (MANE Select); coding-DNA position 980, T replaced by C.
Protein change: p.Ile327Thr; replaces isoleucine 327 with threonine.
Molecular consequence: missense variant.
Genome position (GRCh38, 1-based): chr16:71,137,214, A>G on the plus strand (T>C on the coding strand, the complement: HYDIN is on the minus strand). VCF-style: chr16-71137214-A-G. GRCh37 (hg19) VCF-style: chr16-71171117-A-G.
Other names: c.1061T>C, p.Ile354Thr (NM_001198542.1); c.1031T>C, p.Ile344Thr (NM_001198543.1); c.980T>C, p.Ile327Thr (NM_017558.5); short protein forms I327T, I344T, I354T.
Identifiers: ClinVar variation 2646794 (VCV002646794.24), dbSNP rs2084959735, ClinGen allele CA396635892.